The following is an entry in ClinVar:

ClinVar aggregate classification (germline): Uncertain significance (1 of 4 stars; one submission).

Conditions:
Emery-Dreifuss muscular dystrophy 4, autosomal dominant (EDMD4). Also called: EMERY-DREIFUSS MUSCULAR DYSTROPHY 4 WITH VARIABLE FEATURES. Identifiers: Orphanet 261, MedGen C2751807, MONDO:0013071, OMIM 612998.
Autosomal recessive ataxia, Beauce type. Also called: SYNE1-Related Autosomal Recessive Cerebellar Ataxia; SYNE1 Deficiency; Spinocerebellar ataxia, autosomal recessive 8; ATAXIA, RECESSIVE, OF BEAUCE. Identifiers: Orphanet 88644, MedGen C1853116, MONDO:0012549, OMIM 610743.

Allele frequency attached by ClinVar (database versions not stated): gnomAD exomes below 0.00001.
gnomAD v4.1: 1 of 1,613,992 alleles (0.000062%); highest among the groups gnomAD compares: Admixed American, 0.0017%; no homozygotes.

Submission:

Labcorp Genetics (formerly Invitae), Labcorp
Classification: Uncertain significance for Emery-Dreifuss muscular dystrophy 4, autosomal dominant; Autosomal recessive ataxia, Beauce type. Last evaluated: 2022-06-16. Review status: criteria provided, single submitter. Criteria: Invitae Variant Classification Sherloc (09022015). Collection method: clinical testing. Allele origin: germline.
Comment: This variant has not been reported in the literature in individuals affected with SYNE1-related conditions. This variant is not present in population databases (gnomAD no frequency). This sequence change replaces asparagine, which is neutral and polar, with serine, which is neutral and polar, at codon 4056 of the SYNE1 protein (p.Asn4056Ser). In summary, the available evidence is currently insufficient to determine the role of this variant in disease. Therefore, it has been classified as a Variant of Uncertain Significance. Algorithms developed to predict the effect of missense changes on protein structure and function output the following: SIFT: "Tolerated"; PolyPhen-2: "Benign"; Align-GVGD: "Class C0". The serine amino acid residue is found in multiple mammalian species, which suggests that this missense change does not adversely affect protein function.

NM_182961.4(SYNE1):c.12380A>G (p.Asn4127Ser)

Gene: SYNE1 (spectrin repeat containing nuclear envelope protein 1; minus strand). Cytogenetic location: 6q25.2.
Variant type: single nucleotide variant.
Coding change: c.12380A>G on transcript NM_182961.4 (MANE Select); coding-DNA position 12380, A replaced by G.
Protein change: p.Asn4127Ser; replaces asparagine 4127 with serine.
Molecular consequence: missense variant.
Genome position (GRCh38, 1-based): chr6:152,336,989, T>C on the plus strand (A>G on the coding strand, the complement: SYNE1 is on the minus strand). VCF-style: chr6-152336989-T-C. GRCh37 (hg19) VCF-style: chr6-152658124-T-C.
Other names: c.12167A>G, p.Asn4056Ser (NM_033071.5); short protein forms N4056S, N4127S.
Identifiers: ClinVar variation 1923560 (VCV001923560.5), dbSNP rs2485955947, ClinGen allele CA366108743.